The following is an entry in ClinVar:

NM_000059.4(BRCA2):c.8773C>T (p.Gln2925Ter)

Gene: BRCA2 (BRCA2 DNA repair associated; plus strand). Cytogenetic location: 13q13.1.
Variant type: single nucleotide variant.
Coding change: c.8773C>T on transcript NM_000059.4 (MANE Select); coding-DNA position 8773, C replaced by T.
Protein change: p.Gln2925Ter; replaces glutamine 2925 with a stop codon.
Molecular consequence: nonsense.
Genome position (GRCh38, 1-based): chr13:32,379,335, C>T. VCF-style: chr13-32379335-C-T. GRCh37 (hg19) VCF-style: chr13-32953472-C-T.
Other names: short protein forms Q2925*.
Identifiers: ClinVar variation 52676 (VCV000052676.20), dbSNP rs80359134, ClinGen allele CA025822.

ClinVar aggregate classification (germline): Pathogenic. Review status: reviewed by expert panel (3 of 4 stars). 9 submissions from 9 submitters: Pathogenic (1). 8 of the submissions do not count toward it. Last evaluated 2016-09-08.

Conditions:
Hereditary breast ovarian cancer syndrome. Also called: Hereditary breast and ovarian cancer syndrome; Hereditary breast and ovarian cancer; Hereditary breast and ovarian cancer syndrome (HBOC); Breast and ovarian cancer; Hereditary breast and/or ovarian cancer syndrome; BRCA1- and BRCA2-Associated Hereditary Breast and Ovarian Cancer. Identifiers: Orphanet 145, MedGen C0677776, MeSH D061325, MONDO:0003582. Disease mechanism: loss of function.
Hereditary cancer-predisposing syndrome. Also called: Neoplastic Syndromes, Hereditary; Tumor predisposition; Hereditary neoplastic syndrome; Hereditary Cancer Syndrome. Identifiers: Orphanet 140162, MedGen C0027672, MeSH D009386, MONDO:0015356.
Familial cancer of breast. Also called: BREAST CANCER, FAMILIAL; Hereditary breast cancer; hereditary breast carcinoma. Identifiers: Orphanet 227535, MedGen C0346153, MONDO:0016419, OMIM 114480. Disease mechanism: loss of function.
Breast-ovarian cancer, familial, susceptibility to, 2 (BROVCA2). Also called: BRCA2 Hereditary Breast and Ovarian Cancer. Identifiers: Orphanet 145, MedGen C2675520, MONDO:0012933, OMIM 612555. Disease mechanism: loss of function.

Allele frequency attached by ClinVar (database versions not stated): TOPMed below 0.00001.

Submissions (9):

Evidence-based Network for the Interpretation of Germline Mutant Alleles (ENIGMA)
Classification: Pathogenic for Breast-ovarian cancer, familial, susceptibility to, 2. Last evaluated: 2016-09-08. Review status: reviewed by expert panel. Criteria: ENIGMA BRCA1/2 Classification Criteria (2015). Collection method: curation. Allele origin: germline.
Comment: Variant allele predicted to encode a truncated non-functional protein.

Labcorp Genetics (formerly Invitae), Labcorp
Classification: Pathogenic for Hereditary breast ovarian cancer syndrome. Last evaluated: 2024-08-06. Review status: criteria provided, single submitter. Criteria: Invitae Variant Classification Sherloc (09022015). Collection method: clinical testing. Allele origin: germline. Not counted in ClinVar's aggregate classification.
Comment: This sequence change creates a premature translational stop signal (p.Gln2925*) in the BRCA2 gene. It is expected to result in an absent or disrupted protein product. Loss-of-function variants in BRCA2 are known to be pathogenic (PMID: 20104584). This variant is not present in population databases (gnomAD no frequency). This premature translational stop signal has been observed in individual(s) with breast and/or ovarian cancer (PMID: 29446198). ClinVar contains an entry for this variant (Variation ID: 52676). RNA analysis performed to evaluate the impact of this premature translational stop signal on mRNA splicing indicates it does not significantly alter splicing (Invitae). For these reasons, this variant has been classified as Pathogenic.

Baylor Genetics
Classification: Pathogenic for Familial cancer of breast. Last evaluated: 2023-07-28. Review status: criteria provided, single submitter. Criteria: ACMG Guidelines, 2015. Collection method: clinical testing. Allele origin: unknown. Not counted in ClinVar's aggregate classification.

Ambry Genetics
Classification: Pathogenic for Hereditary cancer-predisposing syndrome. Last evaluated: 2021-09-03. Review status: criteria provided, single submitter. Criteria: Ambry Variant Classification Scheme 2023. Collection method: clinical testing. Allele origin: germline. Not counted in ClinVar's aggregate classification.
Comment: The p.Q2925* pathogenic mutation (also known as c.8773C>T), located in coding exon 21 of the BRCA2 gene, results from a C to T substitution at nucleotide position 8773. This changes the amino acid from a glutamine to a stop codon within coding exon 21. This mutation has been reported in one Dutch HBOC family (Mohammadi L et al. BMC Cancer, 2009 Jun;9:211). This mutation was also identified in a large, worldwide study of BRCA1/2 mutation positive families (Rebbeck TR et al. Hum Mutat, 2018 05;39:593-620). In addition to the clinical data presented in the literature, this alteration is expected to result in loss of function by premature protein truncation or nonsense-mediated mRNA decay. As such, this alteration is interpreted as a disease-causing mutation.

Color Diagnostics, LLC DBA Color Health
Classification: Pathogenic for Hereditary cancer-predisposing syndrome. Last evaluated: 2020-01-15. Review status: criteria provided, single submitter. Criteria: ACMG Guidelines, 2015. Collection method: clinical testing. Allele origin: germline. Not counted in ClinVar's aggregate classification.
Comment: This variant changes 1 nucleotide in exon 22 of the BRCA2 gene, creating a premature translation stop signal. This variant is expected to result in an absent or non-functional protein product. This variant has not been identified in the general population by the Genome Aggregation Database (gnomAD). Loss of BRCA2 function is a known mechanism of disease. Based on the available evidence, this variant is classified as Pathogenic.

Consortium of Investigators of Modifiers of BRCA1/2 (CIMBA), c/o University of Cambridge
Classification: Pathogenic for Breast-ovarian cancer, familial, susceptibility to, 2. Last evaluated: 2015-10-02. Review status: criteria provided, single submitter. Criteria: CIMBA Mutation Classification guidelines May 2016. Collection method: clinical testing. Allele origin: germline. Not counted in ClinVar's aggregate classification.

Breast Cancer Information Core (BIC) (BRCA2)
Classification: Pathogenic for Breast-ovarian cancer, familial 2. Last evaluated: 2001-02-16. Review status: no assertion criteria provided. Collection method: clinical testing. Allele origin: germline. Affected: yes. Observed: 1 variant allele. Not counted in ClinVar's aggregate classification.

Diagnostic Laboratory, Department of Genetics, University Medical Center Groningen
Classification: Pathogenic. Review status: no assertion criteria provided. Collection method: clinical testing. Allele origin: germline. Affected: yes. Study: VKGL Data-share Consensus. Not counted in ClinVar's aggregate classification.

Joint Genome Diagnostic Labs from Nijmegen and Maastricht, Radboudumc and MUMC+
Classification: Pathogenic. Review status: no assertion criteria provided. Collection method: clinical testing. Allele origin: germline. Affected: yes. Study: VKGL Data-share Consensus. Not counted in ClinVar's aggregate classification.

Literature cited by the submitters: PubMed 20104584 (cited by Labcorp Genetics (formerly Invitae), Labcorp); PubMed 29446198 (cited by Labcorp Genetics (formerly Invitae), Labcorp and Ambry Genetics); PubMed 19563646 (cited by Ambry Genetics); PubMed 31871109 (cited by Ambry Genetics).